The following is an entry in ClinVar:

ClinVar aggregate classification (germline): Uncertain significance (0 of 4 stars; one submission).

Conditions:
TICAM1-related disorder. Also called: TICAM1-related condition.

gnomAD v4.1: 14 of 1,612,480 alleles (0.00087%); highest among the groups gnomAD compares: Non-Finnish European, 0.0012%; no homozygotes.

Submission:

PreventionGenetics, part of Exact Sciences
Classification: Uncertain significance for TICAM1-related condition. Last evaluated: 2024-08-28. Review status: no assertion criteria provided. Collection method: clinical testing. Allele origin: germline.
Comment: The TICAM1 c.1510G>A variant is predicted to result in the amino acid substitution p.Ala504Thr. To our knowledge, this variant has not been reported in the literature or in a large population database, indicating this variant is rare. At this time, the clinical significance of this variant is uncertain due to the absence of conclusive functional and genetic evidence.

NM_182919.4(TICAM1):c.1510G>A (p.Ala504Thr)

Gene: TICAM1 (TIR domain containing adaptor molecule 1; minus strand). Cytogenetic location: 19p13.3.
Variant type: single nucleotide variant.
Coding change: c.1510G>A on transcript NM_182919.4 (MANE Select); coding-DNA position 1510, G replaced by A.
Protein change: p.Ala504Thr; replaces alanine 504 with threonine.
Molecular consequence: missense variant.
Genome position (GRCh38, 1-based): chr19:4,816,868, C>T on the plus strand (G>A on the coding strand, the complement: TICAM1 is on the minus strand). VCF-style: chr19-4816868-C-T. GRCh37 (hg19) VCF-style: chr19-4816880-C-T.
Other names: c.1468G>A, p.Ala490Thr (NM_001385678.1); c.1375G>A, p.Ala459Thr (NM_001385679.1); c.868G>A, p.Ala290Thr (NM_001385680.1); short protein forms A290T, A459T, A490T, A504T.
Identifiers: ClinVar variation 3353551 (VCV003353551.1).